The following is an entry in ClinVar:

ClinVar aggregate classification (germline): Benign/Likely benign. Review status: criteria provided, multiple submitters, no conflicts (2 of 4 stars). 4 submissions from 4 submitters: Benign (1); Likely benign (3). Last evaluated 2024-08-27.

Conditions:
Hereditary cancer-predisposing syndrome. Also called: Hereditary neoplastic syndrome; Neoplastic Syndromes, Hereditary; Tumor predisposition; Hereditary Cancer Syndrome. Identifiers: Orphanet 140162, MedGen C0027672, MeSH D009386, MONDO:0015356.
Fanconi anemia complementation group J. Also called: BRIP1-Related Fanconi Anemia. Identifiers: Orphanet 84, MedGen C1836860, MONDO:0012187, OMIM 609054.
Familial cancer of breast. Also called: BREAST CANCER, FAMILIAL; hereditary breast carcinoma; Hereditary breast cancer. Identifiers: Orphanet 227535, MedGen C0346153, MONDO:0016419, OMIM 114480. Disease mechanism: loss of function.

Allele frequency attached by ClinVar (database versions not stated): ExAC 0.00001; gnomAD 0.00001; gnomAD exomes 0.00001; 1000 Genomes Project 30x 0.00016; 1000 Genomes Project 0.00020.
gnomAD v4.1: 1 of 1,611,586 alleles (0.000062%); highest among the groups gnomAD compares: Non-Finnish European, 0.000085%; no homozygotes.

Submissions (4):

Myriad Genetics, Inc.
Classification: Benign for Familial cancer of breast. Last evaluated: 2024-08-27. Review status: criteria provided, single submitter. Criteria: Myriad Autosomal Dominant, Autosomal Recessive and X-Linked Classification Criteria (2023). Collection method: clinical testing. Allele origin: unknown.
Comment: This variant is considered benign. This variant is a silent/synonymous amino acid change and it is not expected to impact splicing.

Labcorp Genetics (formerly Invitae), Labcorp
Classification: Likely benign for Familial cancer of breast; Fanconi anemia complementation group J. Last evaluated: 2023-07-10. Review status: criteria provided, single submitter. Criteria: Invitae Variant Classification Sherloc (09022015). Collection method: clinical testing. Allele origin: germline.

Color Diagnostics, LLC DBA Color Health
Classification: Likely benign for Hereditary cancer-predisposing syndrome. Last evaluated: 2018-11-01. Review status: criteria provided, single submitter. Criteria: ACMG Guidelines, 2015. Collection method: clinical testing. Allele origin: germline.

Ambry Genetics
Classification: Likely benign for Hereditary cancer-predisposing syndrome. Last evaluated: 2017-06-13. Review status: criteria provided, single submitter. Criteria: Ambry Variant Classification Scheme 2023. Collection method: clinical testing. Allele origin: germline.

NM_032043.3(BRIP1):c.1332C>T (p.Ser444=)

Gene: BRIP1 (BRCA1 interacting DNA helicase 1; minus strand). Cytogenetic location: 17q23.2.
Variant type: single nucleotide variant.
Coding change: c.1332C>T on transcript NM_032043.3 (MANE Select); coding-DNA position 1332, C replaced by T.
Protein change: p.Ser444=; no amino-acid change (serine 444 retained).
Molecular consequence: synonymous variant.
Genome position (GRCh38, 1-based): chr17:61,799,108, G>A on the plus strand (C>T on the coding strand, the complement: BRIP1 is on the minus strand). VCF-style: chr17-61799108-G-A. GRCh37 (hg19) VCF-style: chr17-59876469-G-A.
Identifiers: ClinVar variation 461070 (VCV000461070.19), dbSNP rs200581792, ClinGen allele CA8690763.